The following is an entry in ClinVar:

ClinVar aggregate classification (germline): Likely benign (0 of 4 stars; one submission).

Conditions:
PTPRD-related disorder. Also called: PTPRD-related condition.

Allele frequency attached by ClinVar (database versions not stated): 1000 Genomes Project 0.00040; 1000 Genomes Project 30x 0.00047; ExAC 0.00087; gnomAD 0.00138; TOPMed 0.00138; ESP Exome Variant Server 0.00185.
gnomAD v4.1: 2,710 of 1,612,944 alleles (0.17%); highest among the groups gnomAD compares: Admixed American, 0.23%; 1 homozygote.

Submission:

PreventionGenetics, part of Exact Sciences
Classification: Likely benign for PTPRD-related condition. Last evaluated: 2023-02-20. Review status: no assertion criteria provided. Collection method: clinical testing. Allele origin: germline.
Comment: This variant is classified as likely benign based on ACMG/AMP sequence variant interpretation guidelines (Richards et al. 2015 PMID: 25741868, with internal and published modifications).

NM_002839.4(PTPRD):c.2164G>T (p.Ala722Ser)

Gene: PTPRD (protein tyrosine phosphatase receptor type D; minus strand). Cytogenetic location: 9p24.1.
Variant type: single nucleotide variant.
Coding change: c.2164G>T on transcript NM_002839.4 (MANE Select); coding-DNA position 2164, G replaced by T.
Protein change: p.Ala722Ser; replaces alanine 722 with serine.
Molecular consequence: missense variant. On other transcripts: intron variant (7).
Genome position (GRCh38, 1-based): chr9:8,499,805, C>A on the plus strand (G>T on the coding strand, the complement: PTPRD is on the minus strand). VCF-style: chr9-8499805-C-A. GRCh37 (hg19) VCF-style: chr9-8499805-C-A.
Other names: c.2164G>T, p.Ala722Ser (NM_001377958.1, NM_001378058.1); c.1792+4456G>T (NM_001171025.2); c.1804+4456G>T (NM_001377946.1, NM_130393.3); c.1813+4456G>T (NM_001377947.1, NM_001040712.2); c.1822+4456G>T (NM_130391.4, NM_130392.3); short protein forms A722S.
Identifiers: ClinVar variation 3043597 (VCV003043597.2), dbSNP rs150444130, ClinGen allele CA4984254.